The following is an entry in ClinVar:

ClinVar aggregate classification (germline): Benign/Likely benign. Review status: criteria provided, multiple submitters, no conflicts (2 of 4 stars). 4 submissions from 4 submitters: Benign (2); Likely benign (1). 1 of the submissions does not count toward it. Last evaluated 2025-11-04.

Conditions:
SYT2-related disorder. Also called: SYT2-related condition.

Allele frequency attached by ClinVar (database versions not stated): gnomAD 0.00001 and 0.00006; TOPMed 0.00001; 1000 Genomes Project 0.00020; gnomAD exomes 0.00020; ExAC 0.00026; 1000 Genomes Project 30x 0.00031.

Submissions (4):

Labcorp Genetics (formerly Invitae), Labcorp
Classification: Benign. Last evaluated: 2025-11-04. Review status: criteria provided, single submitter. Criteria: Invitae Variant Classification Sherloc (09022015). Collection method: clinical testing. Allele origin: germline.

Blueprint Genetics
Classification: Likely benign. Last evaluated: 2024-06-13. Review status: criteria provided, single submitter. Criteria: ACMG Guidelines, 2015. Collection method: clinical testing. Allele origin: germline.

Breakthrough Genomics
Classification: Benign. Review status: criteria provided, single submitter. Criteria: ACMG Guidelines, 2015. Collection method: not provided. Allele origin: germline. Inheritance: Autosomal recessive inheritance. Affected: yes.

PreventionGenetics, part of Exact Sciences
Classification: Likely benign for SYT2-related condition. Last evaluated: 2022-09-19. Review status: no assertion criteria provided. Collection method: clinical testing. Allele origin: germline. Not counted in ClinVar's aggregate classification.
Comment: This variant is classified as likely benign based on ACMG/AMP sequence variant interpretation guidelines (Richards et al. 2015 PMID: 25741868, with internal and published modifications).

NM_177402.5(SYT2):c.57C>T (p.Thr19=)

Gene: SYT2 (synaptotagmin 2; minus strand). Cytogenetic location: 1q32.1.
Variant type: single nucleotide variant.
Coding change: c.57C>T on transcript NM_177402.5 (MANE Select); coding-DNA position 57, C replaced by T.
Protein change: p.Thr19=; no amino-acid change (threonine 19 retained).
Molecular consequence: synonymous variant.
Genome position (GRCh38, 1-based): chr1:202,605,716, G>A on the plus strand (C>T on the coding strand, the complement: SYT2 is on the minus strand). VCF-style: chr1-202605716-G-A. GRCh37 (hg19) VCF-style: chr1-202574844-G-A.
Other names: c.57C>T, p.Thr19= (NM_001136504.1); c.57C>T (NM_177402.4).
Identifiers: ClinVar variation 1599845 (VCV001599845.12), dbSNP rs577256584, ClinGen allele CA1333875.